The following is an entry in ClinVar:

NM_000350.3(ABCA4):c.4869_4870delinsGG (p.Trp1624Gly)

Genes: ABCA4 (ATP binding cassette subfamily A member 4; minus strand), LOC126805793 (CDK7 strongly-dependent group 2 enhancer GRCh37_chr1:94486302-94487501; plus strand). Cytogenetic location: 1p22.1.
Variant type: Indel.
Coding change: c.4869_4870delinsGG on transcript NM_000350.3 (MANE Select); coding-DNA positions 4869 to 4870, CT replaced by GG.
Protein change: p.Trp1624Gly; replaces tryptophan 1624 with glycine.
Molecular consequence: missense variant.
Genome position (GRCh38, 1-based): chr1:94,021,388-94,021,389, AG replaced by CC on the plus strand (CT replaced by GG on the coding strand, the reverse complement: ABCA4 is on the minus strand). VCF-style: chr1-94021388-AG-CC. GRCh37 (hg19) VCF-style: chr1-94486944-AG-CC.
Other names: NM_000350.3(ABCA4):c.4869_4870delinsGG; p.Trp1624Gly; c.4647_4648delCTinsGG, p.Trp1550Gly (NM_001425324.1); short protein forms W1624G, W1550G.
Identifiers: ClinVar variation 1999524 (VCV001999524.5), dbSNP rs2523693355, ClinGen allele CA2580063560.

ClinVar aggregate classification (germline): Uncertain significance. Review status: reviewed by expert panel (3 of 4 stars). 2 submissions from 2 submitters: Uncertain significance (1). 1 of the submissions does not count toward it. Last evaluated 2026-02-24.

Conditions:
ABCA4-related retinopathy. Also called: ABCA4 retinoapthy; ABCA4-related retinoapthy. Identifiers: MedGen CN322612, MONDO:0800406.

Submissions (2):

ClinGen ABCA4 Variant Curation Expert Panel, Clingen
Classification: Uncertain significance for ABCA4-related retinopathy. Last evaluated: 2026-02-24. Review status: reviewed by expert panel. Criteria: ClinGen ABCA4 ACMG Specifications V1.0.0. Collection method: curation. Allele origin: germline. Inheritance: Autosomal recessive inheritance.
Comment: The NM_000350.3(ABCA4):c.4869_4870delinsGG (p.Trp1624Gly) variant in ABCA4 is an in-frame 2bp deletion-insertion variant predicted to substitute tryptophan at codon 1624 with a glycine. This variant is absent from gnomAD v4.1.0 (PM2_Supporting). PP3_Moderate was applied due to the REVEL score of 0.899 in the missense variant, NM_000350.3:c.4870T>G; p.Trp1624Gly, causing the same expected protein effect. This variant has been reported in a patient with central vision loss who was compound heterozygous for the variant and a pathogenic variant confirmed in trans (PM3; ClinVar SCV003196228.3). In summary, this variant meets the criteria to be classified as variant of uncertain significance for ABCA4-related retinopathy based on the ACMG/AMP criteria applied, as specified by the ClinGen ABCA4 VCEP (Specification Version 1.0.0): PM3, PP3_Moderate, PM2_Supporting.

Labcorp Genetics (formerly Invitae), Labcorp
Classification: Uncertain significance. Last evaluated: 2022-10-31. Review status: criteria provided, single submitter. Criteria: Invitae Variant Classification Sherloc (09022015). Collection method: clinical testing. Allele origin: germline. Not counted in ClinVar's aggregate classification.
Comment: In summary, the available evidence is currently insufficient to determine the role of this variant in disease. Therefore, it has been classified as a Variant of Uncertain Significance. Experimental studies and prediction algorithms are not available or were not evaluated, and the functional significance of this variant is currently unknown. This variant has not been reported in the literature in individuals affected with ABCA4-related conditions. Information on the frequency of this variant in the gnomAD database is not available, as this variant may be reported differently in the database. This sequence change replaces tryptophan, which is neutral and slightly polar, with glycine, which is neutral and non-polar, at codon 1624 of the ABCA4 protein (p.Trp1624Gly).